The following is an entry in ClinVar:

NM_007327.4(GRIN1):c.2039_2042del (p.Ile680fs)

Gene: GRIN1 (glutamate ionotropic receptor NMDA type subunit 1; plus strand). Cytogenetic location: 9q34.3.
Variant type: Deletion.
Coding change: c.2039_2042del on transcript NM_007327.4 (MANE Select); coding-DNA positions 2039 to 2042, 4 bases deleted (TCTA; older notation c.2039_2042delTCTA).
Protein change: p.Ile680fs; shifts the reading frame from isoleucine 680.
Molecular consequence: frameshift variant.
Genome position (GRCh38, 1-based): chr9:137,162,871-137,162,874, TCTA deleted; deleting any 4 consecutive bases within chr9:137,162,869-137,162,874 gives the same sequence; the c. name uses the placement nearest the transcript's 3' end. VCF-style (leftmost placement, unchanged base first): chr9-137162868-TTATC-T. GRCh37 (hg19) VCF-style: chr9-140057320-TTATC-T.
Other names: c.2039_2042del, p.Ile680fs (NM_000832.7, NM_021569.4); c.2102_2105del, p.Ile701fs (NM_001185090.2, NM_001185091.2); short protein forms I680fs, I701fs.
Identifiers: ClinVar variation 2432283 (VCV002432283.6), dbSNP rs1564364189, ClinGen allele CA918579469.
Genomic context (GRCh38, chr9:137,162,868, plus strand): 5'-GGAGCCGCCGCCGCGATCCCTGCCCTCCGACCCTGCAGCTGAGGAACCCCTCGGACAAGT[TTATC>T]TACGCCACGGTGAAGCAGAGCTCCGTGGATATCTACTTCCGGCGCCAGGTGGAGCTGAGC-3'

ClinVar aggregate classification (germline): Conflicting classifications of pathogenicity. Review status: criteria provided, conflicting classifications (1 of 4 stars). 2 submissions from 2 submitters: Pathogenic (1); Uncertain significance (1). Last evaluated 2022-11-07.

Conditions:
Neurodevelopmental disorder with or without hyperkinetic movements and seizures, autosomal dominant. Also called: Intellectual disability, autosomal dominant 8. Identifiers: MedGen C3280282, MONDO:0013655, OMIM 614254.

Submissions (2):

Labcorp Genetics (formerly Invitae), Labcorp
Classification: Pathogenic for Neurodevelopmental disorder with or without hyperkinetic movements and seizures, autosomal dominant. Last evaluated: 2022-11-07. Review status: criteria provided, single submitter. Criteria: Invitae Variant Classification Sherloc (09022015). Collection method: clinical testing. Allele origin: germline.
Comment: This variant is not present in population databases (gnomAD no frequency). For these reasons, this variant has been classified as Pathogenic. This variant has not been reported in the literature in individuals affected with GRIN1-related conditions. This sequence change creates a premature translational stop signal (p.Ile680Thrfs*4) in the GRIN1 gene. It is expected to result in an absent or disrupted protein product. Loss-of-function variants in GRIN1 are known to be pathogenic (PMID: 27164704, 35393335).

Revvity Omics, Revvity
Classification: Uncertain significance. Last evaluated: 2022-09-21. Review status: criteria provided, single submitter. Criteria: ACMG Guidelines, 2015. Collection method: clinical testing. Allele origin: germline.

Literature cited by the submitters: PubMed 27164704 (cited by Labcorp Genetics (formerly Invitae), Labcorp); PubMed 35393335 (cited by Labcorp Genetics (formerly Invitae), Labcorp).